The following is an entry in ClinVar:

ClinVar aggregate classification (germline): Uncertain significance (1 of 4 stars; one submission).

Submission:

Ambry Genetics
Classification: Uncertain significance. Last evaluated: 2023-06-12. Review status: criteria provided, single submitter. Criteria: Ambry Variant Classification Scheme 2023. Collection method: clinical testing. Allele origin: germline.
Comment: The p.Y1107H variant (also known as c.3319T>C), located in coding exon 28 of the PRKDC gene, results from a T to C substitution at nucleotide position 3319. The tyrosine at codon 1107 is replaced by histidine, an amino acid with similar properties. This amino acid position is conserved. In addition, the in silico prediction for this alteration is inconclusive. Since supporting evidence is limited at this time, the clinical significance of this alteration remains unclear.

NM_006904.7(PRKDC):c.3319T>C (p.Tyr1107His)

Gene: PRKDC (protein kinase, DNA-activated, catalytic subunit; minus strand). Cytogenetic location: 8q11.21.
Variant type: single nucleotide variant.
Coding change: c.3319T>C on transcript NM_006904.7 (MANE Select); coding-DNA position 3319, T replaced by C.
Protein change: p.Tyr1107His; replaces tyrosine 1107 with histidine.
Molecular consequence: missense variant.
Genome position (GRCh38, 1-based): chr8:47,900,418, A>G on the plus strand (T>C on the coding strand, the complement: PRKDC is on the minus strand). VCF-style: chr8-47900418-A-G. GRCh37 (hg19) VCF-style: chr8-48812978-A-G.
Other names: c.3319T>C, p.Tyr1107His (NM_001081640.2); short protein forms Y1107H.
Identifiers: ClinVar variation 2561926 (VCV002561926.2), dbSNP rs2551875232, ClinGen allele CA371155671.